The following is an entry in ClinVar:

NM_001040458.3(ERAP1):c.1452+18T>C

Gene: ERAP1 (endoplasmic reticulum aminopeptidase 1; minus strand). Cytogenetic location: 5q15.
Variant type: single nucleotide variant.
Coding change: c.1452+18T>C on transcript NM_001040458.3 (MANE Select); 18 bases into the intron after coding-DNA position 1452, T replaced by C.
Molecular consequence: intron variant.
Genome position (GRCh38, 1-based): chr5:96,790,494, A>G on the plus strand (T>C on the coding strand, the complement: ERAP1 is on the minus strand). VCF-style: chr5-96790494-A-G. GRCh37 (hg19) VCF-style: chr5-96126197-A-G.
Other names: c.1452+18T>C (NM_001349244.2, NM_016442.5, NM_001198541.3).
Identifiers: ClinVar variation 2688361 (VCV002688361.2), dbSNP rs27710, ClinGen allele CA3352256.
Genomic context (GRCh38, chr5:96,790,494, plus strand): 5'-TAACATAATGCAGGGAAAACAAAACAAGATGATAAGCCTGTCAATCCCAAATGCAGAGAT[A>G]TTCAAAAACATACTCACACTTGCCATACTATCCCACAGGTCCTCGTTTTTTGTATTTTTA-3'

ClinVar aggregate classification (germline): Benign (1 of 4 stars; one submission).

Allele frequency attached by ClinVar (database versions not stated): 1000 Genomes Project 30x 0.59494; 1000 Genomes Project 0.59605; TOPMed 0.61688; ExAC 0.62023; gnomAD 0.62629; ESP Exome Variant Server 0.62771; gnomAD exomes 0.64674.
gnomAD v4.1: 1,038,222 of 1,612,748 alleles (64%); highest among the groups gnomAD compares: Non-Finnish European, 66%; 336,047 homozygotes.

Submission:

Unidad de Genómica Garrahan, Hospital de Pediatría Garrahan
Classification: Benign. Last evaluated: 2024-01-24. Review status: criteria provided, single submitter. Criteria: ACMG Guidelines, 2015. Collection method: clinical testing. Allele origin: germline. Affected: no. Observed: 69 variant alleles.
Comment: This variant is classified as Benign based on local population frequency. This variant was detected in 78% of patients studied by a panel of primary immunodeficiencies. Number of patients: 69. Only high quality variants are reported.